The following is an entry in ClinVar:

NM_004859.4(CLTC):c.4139A>G (p.Asn1380Ser)

Genes: CLTC (clathrin heavy chain; plus strand), LOC126862609 (CDK7 strongly-dependent group 2 enhancer GRCh37_chr17:57760547-57761746; plus strand). Cytogenetic location: 17q23.1.
Variant type: single nucleotide variant.
Coding change: c.4139A>G on transcript NM_004859.4 (MANE Select); coding-DNA position 4139, A replaced by G.
Protein change: p.Asn1380Ser; replaces asparagine 1380 with serine.
Molecular consequence: missense variant.
Genome position (GRCh38, 1-based): chr17:59,683,484, A>G. VCF-style: chr17-59683484-A-G. GRCh37 (hg19) VCF-style: chr17-57760845-A-G.
Other names: c.4151A>G, p.Asn1384Ser (NM_001288653.2); c.4139A>G (NM_004859.3); short protein forms N1380S, N1384S.
Identifiers: ClinVar variation 1335286 (VCV001335286.42), dbSNP rs376231357, ClinGen allele CA8681691.
Genomic context (GRCh38, chr17:59,683,484, plus strand): 5'-AACTGGTGTTTTTGTATGACAAGTATGAAGAATATGATAATGCCATAATTACCATGATGA[A>G]TCATCCAACTGATGCCTGGAAAGAAGGGCAATTCAAAGATATCATTACCAAGGTGTGTAC-3'
Protein context (NP_004850.1, residues 1370-1390): EYDNAIITMM[Asn1380Ser]HPTDAWKEGQ

ClinVar aggregate classification (germline): Conflicting classifications of pathogenicity. Review status: criteria provided, conflicting classifications (1 of 4 stars). 3 submissions from 3 submitters: Uncertain significance (1); Likely benign (2). Last evaluated 2026-01-28.

Conditions:
Inborn genetic diseases. Identifiers: MedGen C0950123, MeSH D030342.

Allele frequency attached by ClinVar (database versions not stated): gnomAD 0.00005 and 0.00006; TOPMed 0.00005; gnomAD exomes 0.00006 and 0.00010; ESP Exome Variant Server 0.00008; ExAC 0.00017.
gnomAD v4.1: 98 of 1,614,066 alleles (0.0061%); highest among the groups gnomAD compares: South Asian, 0.019%; no homozygotes.

Submissions (3):

Labcorp Genetics (formerly Invitae), Labcorp
Classification: Uncertain significance. Last evaluated: 2026-01-28. Review status: criteria provided, single submitter. Criteria: Invitae Variant Classification Sherloc (09022015). Collection method: clinical testing. Allele origin: germline.
Comment: This sequence change replaces asparagine, which is neutral and polar, with serine, which is neutral and polar, at codon 1384 of the CLTC protein (p.Asn1384Ser). This variant is present in population databases (rs376231357, gnomAD 0.02%). This variant has not been reported in the literature in individuals affected with CLTC-related conditions. ClinVar contains an entry for this variant (Variation ID: 1335286). Experimental studies and prediction algorithms are not available or were not evaluated, and the functional significance of this variant is currently unknown. In summary, the available evidence is currently insufficient to determine the role of this variant in disease. Therefore, it has been classified as a Variant of Uncertain Significance.

CeGaT Center for Human Genetics Tuebingen
Classification: Likely benign. Last evaluated: 2025-09-01. Review status: criteria provided, single submitter. Criteria: CeGaT Center For Human Genetics Tuebingen Variant Classification Criteria Version 2. Collection method: clinical testing. Allele origin: germline. Affected: yes. Observed: 1 variant allele.
Comment: CLTC: PP2, BS2

Ambry Genetics
Classification: Likely benign for Inborn genetic diseases. Last evaluated: 2025-07-15. Review status: criteria provided, single submitter. Criteria: Ambry Variant Classification Scheme 2023. Collection method: clinical testing. Allele origin: germline.